The following is an entry in ClinVar:

NM_001170700.3(DTHD1):c.1769G>A (p.Gly590Asp)

Gene: DTHD1 (death domain containing 1; plus strand). Cytogenetic location: 4p14.
Variant type: single nucleotide variant.
Coding change: c.1769G>A on transcript NM_001170700.3 (MANE Select); coding-DNA position 1769, G replaced by A.
Protein change: p.Gly590Asp; replaces glycine 590 with aspartic acid.
Molecular consequence: missense variant. On other transcripts: non-coding transcript variant (2).
Genome position (GRCh38, 1-based): chr4:36,306,316, G>A. VCF-style: chr4-36306316-G-A. GRCh37 (hg19) VCF-style: chr4-36307938-G-A.
Other names: c.899G>A, p.Gly300Asp (NM_001136536.5); c.836G>A, p.Gly279Asp (NM_001378435.1); short protein forms G279D, G300D, G590D.
Identifiers: ClinVar variation 853464 (VCV000853464.9), dbSNP rs758028678, ClinGen allele CA95782232.
Genomic context (GRCh38, chr4:36,306,316, plus strand): 5'-TCAGAAGCCAAGACAGTGGTTGGTGTGGGCTTGATGATGTTGTGAAAACCATACAGAGCG[G>A]CTTGGTATCAGTTGAATTGTATGAACATTTGGAGAGGTAATACCATCAAAAACAATCAAA-3'
Protein context (NP_001164171.2, residues 580-600): LDDVVKTIQS[Gly590Asp]LVSVELYEHL

ClinVar aggregate classification (germline): Uncertain significance (1 of 4 stars; one submission).

Allele frequency attached by ClinVar (database versions not stated): TOPMed 0.00006.
gnomAD v4.1: 22 of 1,551,242 alleles (0.0014%); highest among the groups gnomAD compares: Admixed American, 0.043%; no homozygotes.

Submission:

Labcorp Genetics (formerly Invitae), Labcorp
Classification: Uncertain significance. Last evaluated: 2025-04-28. Review status: criteria provided, single submitter. Criteria: Invitae Variant Classification Sherloc (09022015). Collection method: clinical testing. Allele origin: germline.
Comment: This sequence change replaces glycine, which is neutral and non-polar, with aspartic acid, which is acidic and polar, at codon 300 of the DTHD1 protein (p.Gly300Asp). This variant is present in population databases (no rsID available, gnomAD 0.05%). This variant has not been reported in the literature in individuals affected with DTHD1-related conditions. ClinVar contains an entry for this variant (Variation ID: 853464). An algorithm developed to predict the effect of missense changes on protein structure and function (PolyPhen-2) suggests that this variant is likely to be disruptive. In summary, the available evidence is currently insufficient to determine the role of this variant in disease. Therefore, it has been classified as a Variant of Uncertain Significance.